The following is an entry in ClinVar:

NM_005559.4(LAMA1):c.3055C>A (p.His1019Asn)

Gene: LAMA1 (laminin subunit alpha 1; minus strand). Cytogenetic location: 18p11.31.
Variant type: single nucleotide variant.
Coding change: c.3055C>A on transcript NM_005559.4 (MANE Select); coding-DNA position 3055, C replaced by A.
Protein change: p.His1019Asn; replaces histidine 1019 with asparagine.
Molecular consequence: missense variant.
Genome position (GRCh38, 1-based): chr18:7,015,793, G>T on the plus strand (C>A on the coding strand, the complement: LAMA1 is on the minus strand). VCF-style: chr18-7015793-G-T. GRCh37 (hg19) VCF-style: chr18-7015792-G-T.
Other names: short protein forms H1019N.
Identifiers: ClinVar variation 2575871 (VCV002575871.2), dbSNP rs2510073242, ClinGen allele CA401850555.

ClinVar aggregate classification (germline): Uncertain significance (1 of 4 stars; one submission).

Allele frequency attached by ClinVar (database versions not stated): gnomAD exomes below 0.00001.
gnomAD v4.1: 2 of 1,614,094 alleles (0.00012%); highest among the groups gnomAD compares: Non-Finnish European, 0.000085%; no homozygotes.

Submission:

GeneDx
Classification: Uncertain significance. Last evaluated: 2025-04-01. Review status: criteria provided, single submitter. Criteria: GeneDx Variant Classification Process June 2021. Collection method: clinical testing. Allele origin: germline. Affected: yes.
Comment: Not observed at significant frequency in large population cohorts (gnomAD); In silico analysis indicates that this missense variant does not alter protein structure/function; Has not been previously published as pathogenic or benign to our knowledge